The following is an entry in ClinVar:

ClinVar aggregate classification (germline): Likely benign. Review status: criteria provided, single submitter (1 of 4 stars). 2 submissions from 2 submitters: Likely benign (1). 1 of the submissions does not count toward it. Last evaluated 2024-12-10.

Conditions:
Bardet-Biedl syndrome (BBS). Identifiers: Orphanet 110, MedGen C0752166, MONDO:0015229.
TTC8-related disorder. Also called: TTC8-related condition.

Allele frequency attached by ClinVar (database versions not stated): TOPMed below 0.00001.

Submissions (2):

Labcorp Genetics (formerly Invitae), Labcorp
Classification: Likely benign for Bardet-Biedl syndrome. Last evaluated: 2024-12-10. Review status: criteria provided, single submitter. Criteria: Invitae Variant Classification Sherloc (09022015). Collection method: clinical testing. Allele origin: germline.

PreventionGenetics, part of Exact Sciences
Classification: Likely benign for TTC8-related condition. Last evaluated: 2024-07-25. Review status: no assertion criteria provided. Collection method: clinical testing. Allele origin: germline. Not counted in ClinVar's aggregate classification.
Comment: This variant is classified as likely benign based on ACMG/AMP sequence variant interpretation guidelines (Richards et al. 2015 PMID: 25741868, with internal and published modifications).

NM_144596.4(TTC8):c.1431+10T>G

Gene: TTC8 (tetratricopeptide repeat domain 8; plus strand). Cytogenetic location: 14q31.3.
Variant type: single nucleotide variant.
Coding change: c.1431+10T>G on transcript NM_144596.4 (MANE Select); 10 bases into the intron after coding-DNA position 1431, T replaced by G.
Molecular consequence: intron variant.
Genome position (GRCh38, 1-based): chr14:88,875,119, T>G. VCF-style: chr14-88875119-T-G. GRCh37 (hg19) VCF-style: chr14-89341463-T-G.
Other names: c.1431+10T>G (NM_144596.3); c.837+10T>G (NM_001288782.1); c.1479+10T>G (NM_001288781.1); c.1401+10T>G (NM_198309.3); c.714+10T>G (NM_001288783.1); c.1311+10T>G (NM_198310.3); c.1318-2175T>G (NM_001366535.2); c.1228-2175T>G (NM_001366536.2).
Identifiers: ClinVar variation 2009196 (VCV002009196.5), dbSNP rs1052207847, ClinGen allele CA264574937.